The following is an entry in ClinVar:

NM_001069.3(TUBB2A):c.882C>T (p.Phe294=)

Gene: TUBB2A (tubulin beta 2A class IIa; minus strand). Cytogenetic location: 6p25.2.
Variant type: single nucleotide variant.
Coding change: c.882C>T on transcript NM_001069.3 (MANE Select); coding-DNA position 882, C replaced by T.
Protein change: p.Phe294=; no amino-acid change (phenylalanine 294 retained).
Molecular consequence: synonymous variant.
Genome position (GRCh38, 1-based): chr6:3,154,319, G>A on the plus strand (C>T on the coding strand, the complement: TUBB2A is on the minus strand). VCF-style: chr6-3154319-G-A. GRCh37 (hg19) VCF-style: chr6-3154553-G-A.
Other names: c.627C>T, p.Phe209= (NM_001310315.2).
Identifiers: ClinVar variation 1327637 (VCV001327637.9), dbSNP rs1445909923, ClinGen allele CA448707630.

ClinVar aggregate classification (germline): Likely benign. Review status: criteria provided, multiple submitters, no conflicts (2 of 4 stars). 2 submissions from 2 submitters: Likely benign (2). Last evaluated 2026-01-11.

Allele frequency attached by ClinVar (database versions not stated): gnomAD exomes 0.00001; gnomAD 0.00014.

Submissions (2):

Labcorp Genetics (formerly Invitae), Labcorp
Classification: Likely benign. Last evaluated: 2026-01-11. Review status: criteria provided, single submitter. Criteria: Invitae Variant Classification Sherloc (09022015). Collection method: clinical testing. Allele origin: germline.

GeneDx
Classification: Likely benign. Last evaluated: 2021-06-10. Review status: criteria provided, single submitter. Criteria: GeneDx Variant Classification Process June 2021. Collection method: clinical testing. Allele origin: germline. Affected: yes.
Comment: This variant is associated with the following publications: (PMID: 27535533)